The following is an entry in ClinVar:

ClinVar aggregate classification (germline): Likely pathogenic (0 of 4 stars; one submission).

Conditions:
BCOR-related disorder. Also called: BCOR-related disorders; BCOR-related condition.

Submission:

PreventionGenetics, part of Exact Sciences
Classification: Likely pathogenic for BCOR-related condition. Last evaluated: 2023-12-08. Review status: no assertion criteria provided. Collection method: clinical testing. Allele origin: germline.
Comment: The BCOR c.590_591delAG variant is predicted to result in a frameshift and premature protein termination (p.Glu197Glyfs*15). To our knowledge, this variant has not been reported in the literature or in a large population database, indicating this variant is rare. Frameshift variants in BCOR are expected to be pathogenic. This variant is interpreted as likely pathogenic.

NM_001123385.2(BCOR):c.590_591del (p.Glu197fs)

Genes: BCOR (BCL6 corepressor; minus strand), LOC126863239 (MED14-independent group 3 enhancer GRCh37_chrX:39932994-39934193; plus strand). Cytogenetic location: Xp11.4.
Variant type: Deletion.
Coding change: c.590_591del on transcript NM_001123385.2 (MANE Select); coding-DNA positions 590 to 591, 2 bases deleted (AG; older notation c.590_591delAG).
Protein change: p.Glu197fs; shifts the reading frame from glutamic acid 197.
Molecular consequence: frameshift variant.
Genome position (GRCh38, 1-based): chrX:40,074,755-40,074,756, CT deleted on the plus strand (AG on the coding strand, the reverse complement: BCOR is on the minus strand); deleting any 2 consecutive bases within chrX:40,074,755-40,074,757 gives the same sequence; the c. name uses the placement nearest the transcript's 3' end. VCF-style (leftmost placement, unchanged base first): chrX-40074754-CCT-C. GRCh37 (hg19) VCF-style: chrX-39934007-CCT-C.
Other names: c.590_591delAG (NM_001123383.1); c.589_590delGA, p.Glu197Glyfs (NM_001123383.2); c.590_591del, p.Glu197fs (NM_001123384.2, NM_017745.6); short protein forms E197fs.
Identifiers: ClinVar variation 3032468 (VCV003032468.2), dbSNP rs2520105884, ClinGen allele CA2740092109.